The following is an entry in ClinVar:

NM_002047.4(GARS1):c.1675A>G (p.Lys559Glu)

Gene: GARS1 (glycyl-tRNA synthetase 1; plus strand). Cytogenetic location: 7p14.3.
Variant type: single nucleotide variant.
Coding change: c.1675A>G on transcript NM_002047.4 (MANE Select); coding-DNA position 1675, A replaced by G.
Protein change: p.Lys559Glu; replaces lysine 559 with glutamic acid.
Molecular consequence: missense variant.
Genome position (GRCh38, 1-based): chr7:30,626,295, A>G. VCF-style: chr7-30626295-A-G. GRCh37 (hg19) VCF-style: chr7-30665911-A-G.
Other names: c.1513A>G, p.Lys505Glu (NM_001316772.1); short protein forms K505E, K559E.
Identifiers: ClinVar variation 1987677 (VCV001987677.4), dbSNP rs768173012, ClinGen allele CA4206025.

ClinVar aggregate classification (germline): Uncertain significance (1 of 4 stars; one submission).

Conditions:
Charcot-Marie-Tooth disease type 2. Also called: Charcot-Marie-Tooth type 2. Identifiers: Orphanet 64746, MedGen C0270914, MONDO:0018993.

Allele frequency attached by ClinVar (database versions not stated): gnomAD exomes below 0.00001; ExAC 0.00001.
gnomAD v4.1: 2 of 1,597,928 alleles (0.00013%); highest among the groups gnomAD compares: East Asian, 0.0022%; no homozygotes.

Submission:

Labcorp Genetics (formerly Invitae), Labcorp
Classification: Uncertain significance for Charcot-Marie-Tooth disease type 2. Last evaluated: 2024-09-30. Review status: criteria provided, single submitter. Criteria: Invitae Variant Classification Sherloc (09022015). Collection method: clinical testing. Allele origin: germline.
Comment: This sequence change replaces lysine, which is basic and polar, with glutamic acid, which is acidic and polar, at codon 559 of the GARS protein (p.Lys559Glu). This variant is not present in population databases (gnomAD no frequency). This variant has not been reported in the literature in individuals affected with GARS-related conditions. ClinVar contains an entry for this variant (Variation ID: 1987677). Invitae Evidence Modeling of protein sequence and biophysical properties (such as structural, functional, and spatial information, amino acid conservation, physicochemical variation, residue mobility, and thermodynamic stability) indicates that this missense variant is not expected to disrupt GARS protein function with a negative predictive value of 80%. In summary, the available evidence is currently insufficient to determine the role of this variant in disease. Therefore, it has been classified as a Variant of Uncertain Significance.